The following is an entry in ClinVar:

NM_001943.5(DSG2):c.532G>A (p.Val178Met)

Gene: DSG2 (desmoglein 2; plus strand). Cytogenetic location: 18q12.1.
Variant type: single nucleotide variant.
Coding change: c.532G>A on transcript NM_001943.5 (MANE Select); coding-DNA position 532, G replaced by A.
Protein change: p.Val178Met; replaces valine 178 with methionine.
Molecular consequence: missense variant.
Genome position (GRCh38, 1-based): chr18:31,522,091, G>A. VCF-style: chr18-31522091-G-A. GRCh37 (hg19) VCF-style: chr18-29102054-G-A.
Other names: short protein forms V178M.
Identifiers: ClinVar variation 3637544 (VCV003637544.2).
Genomic context (GRCh38, chr18:31,522,091, plus strand): 5'-AAATATGCTTAAAGTTGAATTTCATCTTAGACATCTTTATTTCTAATGCCAGATACTCTT[G>A]TGATGAAAATCAATGCAACAGATGCAGATGAGCCCAATACCCTGAATTCGAAAATTTCCT-3'
Protein context (NP_001934.2, residues 168-188): VEELSAAHTL[Val178Met]MKINATDADE

ClinVar aggregate classification (germline): Uncertain significance (1 of 4 stars; one submission).

Conditions:
Arrhythmogenic right ventricular dysplasia 10. Also called: Arrhythmogenic Right Ventricular Dysplasia/Cardiomyopathy10; Arrhythmogenic right ventricular dysplasia/cardiomyopathy, type 10; ARRHYTHMOGENIC RIGHT VENTRICULAR DYSPLASIA, FAMILIAL, 10. Identifiers: MedGen C1857777, MONDO:0012434, OMIM 610193.

Submission:

Labcorp Genetics (formerly Invitae), Labcorp
Classification: Uncertain significance for Arrhythmogenic right ventricular dysplasia 10. Last evaluated: 2024-11-18. Review status: criteria provided, single submitter. Criteria: Invitae Variant Classification Sherloc (09022015). Collection method: clinical testing. Allele origin: germline.
Comment: This sequence change replaces valine, which is neutral and non-polar, with methionine, which is neutral and non-polar, at codon 178 of the DSG2 protein (p.Val178Met). This variant is not present in population databases (gnomAD no frequency). This variant has not been reported in the literature in individuals affected with DSG2-related conditions. Invitae Evidence Modeling of protein sequence and biophysical properties (such as structural, functional, and spatial information, amino acid conservation, physicochemical variation, residue mobility, and thermodynamic stability) has been performed for this missense variant. However, the output from this modeling did not meet the statistical confidence thresholds required to predict the impact of this variant on DSG2 protein function. In summary, the available evidence is currently insufficient to determine the role of this variant in disease. Therefore, it has been classified as a Variant of Uncertain Significance.